The following is an entry in ClinVar:

ClinVar aggregate classification (germline): Uncertain significance (1 of 4 stars; one submission).

Allele frequency attached by ClinVar (database versions not stated): TOPMed 0.00001; gnomAD exomes 0.00003.
gnomAD v4.1: 33 of 1,193,146 alleles (0.0028%); highest among the groups gnomAD compares: Non-Finnish European, 0.0034%; no homozygotes.

Submission:

Labcorp Genetics (formerly Invitae), Labcorp
Classification: Uncertain significance. Last evaluated: 2023-08-19. Review status: criteria provided, single submitter. Criteria: Invitae Variant Classification Sherloc (09022015). Collection method: clinical testing. Allele origin: germline.
Comment: In summary, the available evidence is currently insufficient to determine the role of this variant in disease. Therefore, it has been classified as a Variant of Uncertain Significance. Algorithms developed to predict the effect of missense changes on protein structure and function output the following: SIFT: "Not Available"; PolyPhen-2: "Not Available"; Align-GVGD: "Not Available". The proline amino acid residue is found in multiple mammalian species, which suggests that this missense change does not adversely affect protein function. This variant has not been reported in the literature in individuals affected with HTRA1-related conditions. The frequency data for this variant in the population databases is considered unreliable, as metrics indicate poor data quality at this position in the gnomAD database. This sequence change replaces serine, which is neutral and polar, with proline, which is neutral and non-polar, at codon 25 of the HTRA1 protein (p.Ser25Pro).

NM_002775.5(HTRA1):c.73T>C (p.Ser25Pro)

Gene: HTRA1 (HtrA serine peptidase 1; plus strand). Cytogenetic location: 10q26.13.
Variant type: single nucleotide variant.
Coding change: c.73T>C on transcript NM_002775.5 (MANE Select); coding-DNA position 73, T replaced by C.
Protein change: p.Ser25Pro; replaces serine 25 with proline.
Molecular consequence: missense variant.
Genome position (GRCh38, 1-based): chr10:122,461,725, T>C. VCF-style: chr10-122461725-T-C. GRCh37 (hg19) VCF-style: chr10-124221241-T-C.
Other names: short protein forms S25P.
Identifiers: ClinVar variation 2984892 (VCV002984892.3), dbSNP rs1287832329, ClinGen allele CA378605366.